The following is an entry in ClinVar:

NM_001378964.1(CDON):c.581A>G (p.Tyr194Cys)

Gene: CDON (cell adhesion associated, oncogene regulated; minus strand). Cytogenetic location: 11q24.2.
Variant type: single nucleotide variant.
Coding change: c.581A>G on transcript NM_001378964.1 (MANE Select); coding-DNA position 581, A replaced by G.
Protein change: p.Tyr194Cys; replaces tyrosine 194 with cysteine.
Molecular consequence: missense variant.
Genome position (GRCh38, 1-based): chr11:126,018,389, T>C on the plus strand (A>G on the coding strand, the complement: CDON is on the minus strand). VCF-style: chr11-126018389-T-C. GRCh37 (hg19) VCF-style: chr11-125888284-T-C.
Other names: c.581A>G, p.Tyr194Cys (NM_001243597.3, NM_016952.6); short protein forms Y194C.
Identifiers: ClinVar variation 2580485 (VCV002580485.1), dbSNP rs2497242856, ClinGen allele CA383211285.

ClinVar aggregate classification (germline): Uncertain significance (1 of 4 stars; one submission).

Submission:

GeneDx
Classification: Uncertain significance. Last evaluated: 2023-03-23. Review status: criteria provided, single submitter. Criteria: GeneDx Variant Classification Process June 2021. Collection method: clinical testing. Allele origin: germline. Affected: yes.
Comment: Not observed at significant frequency in large population cohorts (gnomAD); In silico analysis supports that this missense variant has a deleterious effect on protein structure/function; Has not been previously published as pathogenic or benign to our knowledge